The following is an entry in ClinVar:

ClinVar aggregate classification (germline): not provided (0 of 4 stars; one submission).

gnomAD v4.1: 2 of 1,437,444 alleles (0.00014%); highest among the groups gnomAD compares: South Asian, 0.0014%; no homozygotes.

Submission:

Cardiovascular Biomedical Research Unit, Royal Brompton & Harefield NHS Foundation Trust
No classification provided. Review status: no classification provided. Collection method: literature only. Allele origin: germline.
Comment: This variant has been reported in the following publications (PMID:14661677;PMID:19841300).

Literature cited by the submitters: PubMed 14661677; PubMed 19841300; PubMed 22581653.

NM_000238.4(KCNH2):c.559G>A (p.Gly187Ser)

Gene: KCNH2 (potassium voltage-gated channel subfamily H member 2; minus strand). Cytogenetic location: 7q36.1.
Variant type: single nucleotide variant.
Coding change: c.559G>A on transcript NM_000238.4 (MANE Select); coding-DNA position 559, G replaced by A.
Protein change: p.Gly187Ser; replaces glycine 187 with serine.
Molecular consequence: missense variant.
Genome position (GRCh38, 1-based): chr7:150,958,416, C>T on the plus strand (G>A on the coding strand, the complement: KCNH2 is on the minus strand). VCF-style: chr7-150958416-C-T. GRCh37 (hg19) VCF-style: chr7-150655504-C-T.
Other names: c.559G>A (LRG_288t1); c.271G>A, p.Gly91Ser (NM_001406753.1, NM_001406756.1); c.382G>A, p.Gly128Ser (NM_001406755.1); c.259G>A, p.Gly87Ser (NM_001406757.1); c.559G>A, p.Gly187Ser (NM_172056.3); short protein forms G187S, G87S, G128S, G91S.
Identifiers: ClinVar variation 67511 (VCV000067511.3), dbSNP rs199472867, ClinGen allele CA008577.